The following is an entry in ClinVar:

GRCh37/hg19 2p12(chr2:77354773-78176219)x3

Gene: LRRTM4 (leucine rich repeat transmembrane neuronal 4; minus strand). Cytogenetic location: 2p12.
Variant type: copy number gain.
Change: copy number 3 (three copies instead of two) of chr2:77,354,773-78,176,219 (821.4 kb, GRCh37 coordinates, 1-based), cytogenetic band 2p12.
Identifiers: ClinVar variation 219027 (VCV000219027.5).

ClinVar aggregate classification (germline): Uncertain significance (1 of 4 stars; one submission).

Submission:

Cytogenetics Laboratory, University of Washington
Classification: Uncertain significance. Last evaluated: 2015-07-28. Review status: criteria provided, single submitter. Criteria: UW Cytogenetics and Genomics Laboratory Policy on CNV Interpretation (5/6/2015). Collection method: clinical testing. Allele origin: unknown. Affected: yes. Observed: 1 variant allele.